The following is an entry in ClinVar:

ClinVar aggregate classification (germline): Uncertain significance (1 of 4 stars; one submission).

Conditions:
Desmin-related myofibrillar myopathy (MFM1). Also called: Myofibrillar myopathy 1; Desminopathy; Desmin related myopathy (former name); Desmin storage myopathy (former name); MYOFIBRILLAR MYOPATHY WITH ARRHYTHMOGENIC RIGHT VENTRICULAR CARDIOMYOPATHY; DESMIN-RELATED MYOPATHY WITH ARRHYTHMOGENIC RIGHT VENTRICULAR CARDIOMYOPATHY. Identifiers: Orphanet 363543, Orphanet 98909, MedGen C1832370, MONDO:0011076, OMIM 601419.

Submission:

Labcorp Genetics (formerly Invitae), Labcorp
Classification: Uncertain significance for Desmin-related myofibrillar myopathy. Last evaluated: 2025-10-01. Review status: criteria provided, single submitter. Criteria: Invitae Variant Classification Sherloc (09022015). Collection method: clinical testing. Allele origin: germline.
Comment: This sequence change replaces glutamic acid, which is acidic and polar, with aspartic acid, which is acidic and polar, at codon 87 of the DES protein (p.Glu87Asp). This variant is not present in population databases (gnomAD no frequency). This variant has not been reported in the literature in individuals affected with DES-related conditions. ClinVar contains an entry for this variant (Variation ID: 1955392). Invitae Evidence Modeling of protein sequence and biophysical properties (such as structural, functional, and spatial information, amino acid conservation, physicochemical variation, residue mobility, and thermodynamic stability) has been performed for this missense variant. However, the output from this modeling did not meet the statistical confidence thresholds required to predict the impact of this variant on DES protein function. In summary, the available evidence is currently insufficient to determine the role of this variant in disease. Therefore, it has been classified as a Variant of Uncertain Significance.

NM_001927.4(DES):c.261G>T (p.Glu87Asp)

Gene: DES (desmin; plus strand). Cytogenetic location: 2q35.
Variant type: single nucleotide variant.
Coding change: c.261G>T on transcript NM_001927.4 (MANE Select); coding-DNA position 261, G replaced by T.
Protein change: p.Glu87Asp; replaces glutamic acid 87 with aspartic acid.
Molecular consequence: missense variant.
Genome position (GRCh38, 1-based): chr2:219,418,723, G>T. VCF-style: chr2-219418723-G-T. GRCh37 (hg19) VCF-style: chr2-220283445-G-T.
Other names: c.261G>T, p.Glu87Asp (NM_001382713.1, NM_001382708.1, NM_001382709.1 and 3 more transcripts); short protein forms E87D.
Identifiers: ClinVar variation 1955392 (VCV001955392.5), dbSNP rs770325337, ClinGen allele CA350684616.
Genomic context (GRCh38, chr2:219,418,723, plus strand): 5'-GTCGCTGCGGGCCAGCCGGCTGGGGACCACCCGCACGCCCTCCTCCTACGGCGCAGGCGA[G>T]CTGCTGGACTTCTCACTGGCCGACGCGGTGAACCAGGAGTTTCTGACCACGCGCACCAAC-3'
Protein context (NP_001918.3, residues 77-97): TRTPSSYGAG[Glu87Asp]LLDFSLADAV